The following is an entry in ClinVar:

NM_016222.4(DDX41):c.799-3C>T

Gene: DDX41 (DEAD-box helicase 41; minus strand). Cytogenetic location: 5q35.3.
Variant type: single nucleotide variant.
Coding change: c.799-3C>T on transcript NM_016222.4 (MANE Select); 3 bases into the intron before coding-DNA position 799, C replaced by T.
Molecular consequence: intron variant.
Genome position (GRCh38, 1-based): chr5:177,514,840, G>A on the plus strand (C>T on the coding strand, the complement: DDX41 is on the minus strand). VCF-style: chr5-177514840-G-A. GRCh37 (hg19) VCF-style: chr5-176941841-G-A.
Other names: c.421-3C>T (NM_001321830.2, NM_001321732.2).
Identifiers: ClinVar variation 4869651 (VCV004869651.1).

ClinVar aggregate classification (germline): Uncertain significance (1 of 4 stars; one submission).

Conditions:
Inborn genetic diseases. Identifiers: MedGen C0950123, MeSH D030342.

gnomAD v4.1: 1 of 1,610,922 alleles (0.000062%); highest among the groups gnomAD compares: Non-Finnish European, 0.000085%; no homozygotes.

Submission:

Ambry Genetics
Classification: Uncertain significance for Inborn genetic diseases. Last evaluated: 2026-04-29. Review status: criteria provided, single submitter. Criteria: Ambry Variant Classification Scheme 2023. Collection method: clinical testing. Allele origin: germline.
Comment: The c.799-3C>T intronic variant results from a C to T substitution 3 nucleotides upstream from coding exon 9 in the DDX41 gene. This nucleotide position is not well conserved in available vertebrate species. In silico splice site analysis predicts that this alteration will not have any significant effect on splicing. Based on the available evidence, the clinical significance of this variant remains unclear.